The following is an entry in ClinVar:

ClinVar aggregate classification (germline): Likely benign. Review status: criteria provided, single submitter (1 of 4 stars). 2 submissions from 2 submitters: Likely benign (1). 1 of the submissions does not count toward it. Last evaluated 2024-05-16.

Conditions:
KIDINS220-related disorder. Also called: KIDINS220-related condition.

Allele frequency attached by ClinVar (database versions not stated): TOPMed below 0.00001; ExAC 0.00001; gnomAD 0.00001; gnomAD exomes 0.00001.
gnomAD v4.1: 14 of 1,614,018 alleles (0.00087%); highest among the groups gnomAD compares: Admixed American, 0.005%; no homozygotes.

Submissions (2):

Labcorp Genetics (formerly Invitae), Labcorp
Classification: Likely benign. Last evaluated: 2024-05-16. Review status: criteria provided, single submitter. Criteria: Invitae Variant Classification Sherloc (09022015). Collection method: clinical testing. Allele origin: germline.

PreventionGenetics, part of Exact Sciences
Classification: Likely benign for KIDINS220-related condition. Last evaluated: 2023-08-01. Review status: no assertion criteria provided. Collection method: clinical testing. Allele origin: germline. Not counted in ClinVar's aggregate classification.
Comment: This variant is classified as likely benign based on ACMG/AMP sequence variant interpretation guidelines (Richards et al. 2015 PMID: 25741868, with internal and published modifications).

NM_020738.4(KIDINS220):c.4812G>A (p.Ala1604=)

Gene: KIDINS220 (kinase D interacting substrate 220; minus strand). Cytogenetic location: 2p25.1.
Variant type: single nucleotide variant.
Coding change: c.4812G>A on transcript NM_020738.4 (MANE Select); coding-DNA position 4812, G replaced by A.
Protein change: p.Ala1604=; no amino-acid change (alanine 1604 retained).
Molecular consequence: synonymous variant. On other transcripts: intron variant (6).
Genome position (GRCh38, 1-based): chr2:8,731,224, C>T on the plus strand (G>A on the coding strand, the complement: KIDINS220 is on the minus strand). VCF-style: chr2-8731224-C-T. GRCh37 (hg19) VCF-style: chr2-8871354-C-T.
Other names: c.4815G>A, p.Ala1605= (NM_001348729.2); c.4758G>A, p.Ala1586= (NM_001348731.2); c.4755G>A, p.Ala1585= (NM_001348732.2); c.4644G>A, p.Ala1548= (NM_001348734.2); c.4641G>A, p.Ala1547= (NM_001348735.2); c.4515G>A, p.Ala1505= (NM_001348736.2); c.3882+2220G>A (NM_001348741.2, NM_001348742.2, NM_001348743.2); c.3996+2220G>A (NM_001348738.2); and 1 more.
Identifiers: ClinVar variation 3031860 (VCV003031860.4), dbSNP rs775005607, ClinGen allele CA1519306.
Genomic context (GRCh38, chr2:8,731,224, plus strand): 5'-TCCGCTGTGACTGTCATCTTCCAGCTCTATGAGATTTGCCTTTTCAAGCTGGGAGTCATC[C>T]GCCACTTCATTGTGCAGAGAGTGATTGGGAGAACTTTCACTGGATCTCACTCCTGAATCC-3'
Protein context (NP_065789.1, residues 1594-1614): SPNHSLHNEV[Ala1604=]DDSQLEKANL